The following is an entry in ClinVar:

NM_014491.4(FOXP2):c.-170T>C

Gene: FOXP2 (forkhead box P2; plus strand). Cytogenetic location: 7q31.1.
Variant type: single nucleotide variant.
Coding change: c.-170T>C on transcript NM_014491.4 (MANE Select); 170 bases upstream of the start codon, T replaced by C.
Molecular consequence: 5 prime UTR variant. On other transcripts: non-coding transcript variant (1).
Genome position (GRCh38, 1-based): chr7:114,415,201, T>C. VCF-style: chr7-114415201-T-C. GRCh37 (hg19) VCF-style: chr7-114055256-T-C.
Other names: c.-170T>C (NM_001172766.3, NM_148898.4, NM_148900.4).
Identifiers: ClinVar variation 358598 (VCV000358598.35), dbSNP rs117662905, ClinGen allele CA4445615.
Genomic context (GRCh38, chr7:114,415,201, plus strand): 5'-GTCTGGGACGTGATCGGGCAGAGGTGTACTCACAGTAGTGTAAATACTGCTGTAAATAGT[T>C]GTCTGATGGTGGCTTTGACAGTGAGCTAGCTTCTGAGTTTTCCCTTCTTTTTATACTGTT-3'

ClinVar aggregate classification (germline): Conflicting classifications of pathogenicity. Review status: criteria provided, conflicting classifications (1 of 4 stars). 2 submissions from 2 submitters: Uncertain significance (1); Benign (1). Last evaluated 2022-08-01.

Conditions:
Childhood apraxia of speech (SPCH1). Also called: Speech language disorder; DEVELOPMENTAL VERBAL DYSPRAXIA; SPEECH AND LANGUAGE DISORDER WITH OROFACIAL DYSPRAXIA; FOXP2-Related Speech and Language Disorder. Identifiers: Orphanet 209908, MedGen C0750927, MONDO:0011184, OMIM 602081.

Allele frequency attached by ClinVar (database versions not stated): ExAC 0.00018; 1000 Genomes Project 0.00040; 1000 Genomes Project 30x 0.00047; gnomAD exomes 0.00068 and 0.00101; TOPMed 0.00082; gnomAD 0.00083 and 0.00086.
gnomAD v4.1: 422 of 454,176 alleles (0.093%); highest among the groups gnomAD compares: Non-Finnish European, 0.16%; no homozygotes.

Submissions (2):

CeGaT Center for Human Genetics Tuebingen
Classification: Benign. Last evaluated: 2022-08-01. Review status: criteria provided, single submitter. Criteria: CeGaT Center For Human Genetics Tuebingen Variant Classification Criteria Version 2. Collection method: clinical testing. Allele origin: germline. Affected: yes. Observed: 1 variant allele.
Comment: FOXP2: BS1, BS2

Illumina Laboratory Services, Illumina
Classification: Uncertain significance for Childhood apraxia of speech. Last evaluated: 2018-01-13. Review status: criteria provided, single submitter. Criteria: ICSL Variant Classification Criteria 13 December 2019. Collection method: clinical testing. Allele origin: germline.